The following is an entry in ClinVar:

NM_001267550.2(TTN):c.41962_41963del (p.Ile13988fs)

Gene: TTN (titin; minus strand). Cytogenetic location: 2q31.2.
Variant type: Deletion.
Coding change: c.41962_41963del on transcript NM_001267550.2 (MANE Select); coding-DNA positions 41962 to 41963, 2 bases deleted (AT; older notation c.41962_41963delAT).
Protein change: p.Ile13988fs; shifts the reading frame from isoleucine 13988.
Molecular consequence: frameshift variant.
Genome position (GRCh38, 1-based): chr2:178,635,226-178,635,227, AT deleted on the plus strand (AT on the coding strand, the reverse complement: TTN is on the minus strand). VCF-style (leftmost placement, unchanged base first): chr2-178635225-GAT-G. GRCh37 (hg19) VCF-style: chr2-179499952-GAT-G.
Other names: c.37039_37040del, p.Ile12347fs (NM_001256850.1); c.14767_14768del, p.Ile4923fs (NM_003319.4); c.34258_34259del, p.Ile11420fs (NM_133378.4); c.15142_15143del, p.Ile5048fs (NM_133432.3); c.15343_15344del, p.Ile5115fs (NM_133437.4); short protein forms I11420fs, I13988fs, I5115fs, I12347fs, I4923fs, I5048fs.
Identifiers: ClinVar variation 2135333 (VCV002135333.4), dbSNP rs2471579649, ClinGen allele CA2580065246.

ClinVar aggregate classification (germline): Likely pathogenic (1 of 4 stars; one submission).

Conditions:
Dilated cardiomyopathy 1G (CMD1G). Identifiers: Orphanet 154, MedGen C1858763, MONDO:0011400, OMIM 604145.
Autosomal recessive limb-girdle muscular dystrophy type 2J (LGMDR10). Also called: MUSCULAR DYSTROPHY, LIMB-GIRDLE, AUTOSOMAL RECESSIVE 10; Limb-girdle muscular dystrophy, type 2J. Identifiers: Orphanet 140922, MedGen C1837342, MONDO:0012127, OMIM 608807.

Submission:

Labcorp Genetics (formerly Invitae), Labcorp
Classification: Likely pathogenic for Dilated cardiomyopathy 1G; Autosomal recessive limb-girdle muscular dystrophy type 2J. Last evaluated: 2024-10-18. Review status: criteria provided, single submitter. Criteria: Invitae Variant Classification Sherloc (09022015). Collection method: clinical testing. Allele origin: germline.
Comment: This sequence change creates a premature translational stop signal (p.Ile13988Leufs*23) in the TTN gene. While this is not anticipated to result in nonsense mediated decay, it is expected to create a truncated TTN protein. This variant is not present in population databases (gnomAD no frequency). This variant has not been reported in the literature in individuals affected with TTN-related conditions. ClinVar contains an entry for this variant (Variation ID: 2135333). This variant is located in the I band of TTN (PMID: 25589632). Truncating variants in this region have been reported in individuals affected with autosomal recessive centronuclear myopathy (PMID: 23975875, internal data). Truncating variants in this region have also been identified in individuals affected with autosomal dominant dilated cardiomyopathy and/or cardio-related conditions (PMID: 27869827, 32964742, internal data). In summary, the currently available evidence indicates that the variant is pathogenic, but additional data are needed to prove that conclusively. Therefore, this variant has been classified as Likely Pathogenic.

Literature cited by the submitters: PubMed 25589632; PubMed 23975875; PubMed 27869827; PubMed 32964742.